The following is an entry in ClinVar:

ClinVar aggregate classification (germline): Likely benign. Review status: criteria provided, multiple submitters, no conflicts (2 of 4 stars). 2 submissions from 2 submitters: Likely benign (2). Last evaluated 2026-01-03.

Allele frequency attached by ClinVar (database versions not stated): ExAC 0.00005; gnomAD 0.00008 and 0.00009; TOPMed 0.00009.
gnomAD v4.1: 145 of 1,613,944 alleles (0.009%); highest among the groups gnomAD compares: Admixed American, 0.015%; no homozygotes.

Submissions (2):

Labcorp Genetics (formerly Invitae), Labcorp
Classification: Likely benign. Last evaluated: 2026-01-03. Review status: criteria provided, single submitter. Criteria: Invitae Variant Classification Sherloc (09022015). Collection method: clinical testing. Allele origin: germline.

CeGaT Center for Human Genetics Tuebingen
Classification: Likely benign. Last evaluated: 2025-09-01. Review status: criteria provided, single submitter. Criteria: CeGaT Center For Human Genetics Tuebingen Variant Classification Criteria Version 2. Collection method: clinical testing. Allele origin: germline. Affected: yes. Observed: 3 variant alleles.
Comment: KIF14: BP4, BP7

NM_014875.3(KIF14):c.126G>A (p.Ser42=)

Gene: KIF14 (kinesin family member 14; minus strand). Cytogenetic location: 1q32.1.
Variant type: single nucleotide variant.
Coding change: c.126G>A on transcript NM_014875.3 (MANE Select); coding-DNA position 126, G replaced by A.
Protein change: p.Ser42=; no amino-acid change (serine 42 retained).
Molecular consequence: synonymous variant. On other transcripts: 5 prime UTR variant (1).
Genome position (GRCh38, 1-based): chr1:200,618,598, C>T on the plus strand (G>A on the coding strand, the complement: KIF14 is on the minus strand). VCF-style: chr1-200618598-C-T. GRCh37 (hg19) VCF-style: chr1-200587726-C-T.
Other names: c.-1260G>A (NM_001305792.1).
Identifiers: ClinVar variation 1012546 (VCV001012546.39), dbSNP rs754855524, ClinGen allele CA1318083.